The following is an entry in ClinVar:

ClinVar aggregate classification (germline): Uncertain significance. Review status: criteria provided, multiple submitters, no conflicts (2 of 4 stars). 3 submissions from 3 submitters: Uncertain significance (3). Last evaluated 2023-03-24.

Conditions:
Senior-Loken syndrome 8 (SLSN8). Identifiers: Orphanet 3156, MedGen C4225376, MONDO:0014579, OMIM 616307.
Asphyxiating thoracic dystrophy 5 (SRTD5). Also called: SHORT-RIB THORACIC DYSPLASIA 5 WITH OR WITHOUT POLYDACTYLY; SHORT-RIB THORACIC DYSPLASIA 5 WITHOUT POLYDACTYLY. Identifiers: Orphanet 474, MedGen C3280598, MONDO:0013717, OMIM 614376.
Nephronophthisis 13 (NPHP13). Identifiers: Orphanet 655, MedGen C3280612, MONDO:0013718, OMIM 614377.
Spermatogenic failure 72 (SPGF72). Identifiers: MedGen C5676980, MONDO:0030809, OMIM 619867.
Cranioectodermal dysplasia 4 (CED4). Identifiers: Orphanet 1515, MedGen C3280616, MONDO:0013719, OMIM 614378.
Inborn genetic diseases. Identifiers: MedGen C0950123, MeSH D030342.

Allele frequency attached by ClinVar (database versions not stated): gnomAD exomes 0.00001; ExAC 0.00002; TOPMed 0.00003; gnomAD 0.00006.
gnomAD v4.1: 32 of 1,613,572 alleles (0.002%); highest among the groups gnomAD compares: Non-Finnish European, 0.0026%; no homozygotes.

Submissions (3):

Ambry Genetics
Classification: Uncertain significance for Inborn genetic diseases. Last evaluated: 2023-03-24. Review status: criteria provided, single submitter. Criteria: Ambry Variant Classification Scheme 2023. Collection method: clinical testing. Allele origin: germline.

Fulgent Genetics
Classification: Uncertain significance for Asphyxiating thoracic dystrophy 5; Nephronophthisis 13; Cranioectodermal dysplasia 4; Senior-Loken syndrome 8; Spermatogenic failure 72. Last evaluated: 2022-02-16. Review status: criteria provided, single submitter. Criteria: ACMG Guidelines, 2015. Collection method: clinical testing. Allele origin: unknown.

Labcorp Genetics (formerly Invitae), Labcorp
Classification: Uncertain significance for Senior-Loken syndrome 8; Asphyxiating thoracic dystrophy 5. Last evaluated: 2022-02-06. Review status: criteria provided, single submitter. Criteria: Invitae Variant Classification Sherloc (09022015). Collection method: clinical testing. Allele origin: germline.
Comment: In summary, the available evidence is currently insufficient to determine the role of this variant in disease. Therefore, it has been classified as a Variant of Uncertain Significance. This sequence change replaces glutamine, which is neutral and polar, with lysine, which is basic and polar, at codon 819 of the WDR19 protein (p.Gln819Lys). This variant is present in population databases (rs779337768, gnomAD 0.004%). This variant has not been reported in the literature in individuals affected with WDR19-related conditions. Algorithms developed to predict the effect of missense changes on protein structure and function (SIFT, PolyPhen-2, Align-GVGD) all suggest that this variant is likely to be tolerated.

NM_025132.4(WDR19):c.2455C>A (p.Gln819Lys)

Gene: WDR19 (WD repeat domain 19; plus strand). Cytogenetic location: 4p14.
Variant type: single nucleotide variant.
Coding change: c.2455C>A on transcript NM_025132.4 (MANE Select); coding-DNA position 2455, C replaced by A.
Protein change: p.Gln819Lys; replaces glutamine 819 with lysine.
Molecular consequence: missense variant.
Genome position (GRCh38, 1-based): chr4:39,244,281, C>A. VCF-style: chr4-39244281-C-A. GRCh37 (hg19) VCF-style: chr4-39245901-C-A.
Other names: c.1975C>A, p.Gln659Lys (NM_001317924.2); c.2455C>A (NM_025132.3); short protein forms Q659K, Q819K.
Identifiers: ClinVar variation 1479554 (VCV001479554.11), dbSNP rs779337768, ClinGen allele CA2892087.